The following is an entry in ClinVar:

ClinVar aggregate classification (germline): Conflicting classifications of pathogenicity. Review status: criteria provided, conflicting classifications (1 of 4 stars). 3 submissions from 3 submitters: Uncertain significance (2); Likely benign (1). Last evaluated 2026-08-03.

Conditions:
Cardiovascular phenotype. Identifiers: MedGen CN230736.
Alagille syndrome due to a JAG1 point mutation. Also called: HEPATIC DUCTULAR HYPOPLASIA, SYNDROMATIC; JAG1-Related Alagille Syndrome; Alagille Syndrome 1. Identifiers: Orphanet 261619, Orphanet 52, MedGen C1956125, MONDO:0016862, OMIM 118450.
JAG1-related disorder. Also called: JAG1-related disorders; JAG1-related condition.

Allele frequency attached by ClinVar (database versions not stated): TOPMed below 0.00001; ExAC 0.00001; gnomAD exomes 0.00001.
gnomAD v4.1: 14 of 1,613,884 alleles (0.00087%); highest among the groups gnomAD compares: Non-Finnish European, 0.0012%; no homozygotes.

Submissions (3):

PreventionGenetics, part of Exact Sciences
Classification: Uncertain significance for JAG1-related condition. Last evaluated: 2026-08-03. Review status: criteria provided, single submitter. Criteria: ACMG Guidelines, 2015. Collection method: clinical testing. Allele origin: germline.
Comment: The JAG1 c.3097G>A variant is predicted to result in the amino acid substitution p.Asp1033Asn. This variant was reported in an individual with tetralogy of Fallot (Extended Data Table 4, Sierant et al. 2025. PubMed ID: 40127276). This variant is reported in 0.0015% of alleles in individuals of European (Non-Finnish) descent in gnomAD. At this time, the clinical significance of this variant is uncertain due to the absence of conclusive functional and genetic evidence.

Ambry Genetics
Classification: Uncertain significance for Cardiovascular phenotype. Last evaluated: 2025-04-30. Review status: criteria provided, single submitter. Criteria: Ambry Variant Classification Scheme 2023. Collection method: clinical testing. Allele origin: germline.

Labcorp Genetics (formerly Invitae), Labcorp
Classification: Likely benign for Alagille syndrome due to a JAG1 point mutation. Last evaluated: 2024-11-05. Review status: criteria provided, single submitter. Criteria: Invitae Variant Classification Sherloc (09022015). Collection method: clinical testing. Allele origin: germline.

NM_000214.3(JAG1):c.3097G>A (p.Asp1033Asn)

Gene: JAG1 (jagged canonical Notch ligand 1; minus strand). Cytogenetic location: 20p12.2.
Variant type: single nucleotide variant.
Coding change: c.3097G>A on transcript NM_000214.3 (MANE Select); coding-DNA position 3097, G replaced by A.
Protein change: p.Asp1033Asn; replaces aspartic acid 1033 with asparagine.
Molecular consequence: missense variant.
Genome position (GRCh38, 1-based): chr20:10,640,885, C>T on the plus strand (G>A on the coding strand, the complement: JAG1 is on the minus strand). VCF-style: chr20-10640885-C-T. GRCh37 (hg19) VCF-style: chr20-10621533-C-T.
Other names: short protein forms D1033N.
Identifiers: ClinVar variation 1727526 (VCV001727526.9), dbSNP rs772228887, ClinGen allele CA9764281.